The following is an entry in ClinVar:

NM_001374736.1(DST):c.19604T>C (p.Met6535Thr)

Gene: DST (dystonin; minus strand). Cytogenetic location: 6p12.1.
Variant type: single nucleotide variant.
Coding change: c.19604T>C on transcript NM_001374736.1 (MANE Select); coding-DNA position 19604, T replaced by C.
Protein change: p.Met6535Thr; replaces methionine 6535 with threonine.
Molecular consequence: missense variant.
Genome position (GRCh38, 1-based): chr6:56,501,656, A>G on the plus strand (T>C on the coding strand, the complement: DST is on the minus strand). VCF-style: chr6-56501656-A-G. GRCh37 (hg19) VCF-style: chr6-56366454-A-G.
Other names: c.13247T>C, p.Met4416Thr (NM_001144769.5); c.12833T>C, p.Met4278Thr (NM_001144770.2); c.19604T>C, p.Met6535Thr (NM_001374722.1); c.18644T>C, p.Met6215Thr (NM_001374729.1); c.12386T>C, p.Met4129Thr (NM_001374730.1); c.19631T>C, p.Met6544Thr (NM_001374734.1); c.12713T>C, p.Met4238Thr (NM_001386100.1, NM_183380.4); c.11735T>C, p.Met3912Thr (NM_015548.5); short protein forms M3912T, M4129T, M4238T, M4278T, M4416T, M6215T, M6535T, M6544T.
Identifiers: ClinVar variation 1027080 (VCV001027080.7), dbSNP rs1371787646, ClinGen allele CA364520677.

ClinVar aggregate classification (germline): Uncertain significance (1 of 4 stars; one submission).

Conditions:
Hereditary sensory and autonomic neuropathy type 6. Also called: HSAN VI; Neuropathy, hereditary sensory and autonomic, type VI. Identifiers: Orphanet 314381, MedGen C3539003, MONDO:0013839, OMIM 614653.
Epidermolysis bullosa simplex 3, localized or generalized intermediate, with BP230 deficiency (EBS3). Also called: Epidermolysis bullosa simplex, autosomal recessive 2; Epidermolysis bullosa simplex due to BP230 deficiency. Identifiers: Orphanet 412181, MedGen C3809470, MONDO:0014180, OMIM 615425.

Allele frequency attached by ClinVar (database versions not stated): gnomAD exomes below 0.00001.
gnomAD v4.1: 6 of 1,607,400 alleles (0.00037%); highest among the groups gnomAD compares: Non-Finnish European, 0.00051%; no homozygotes.

Submission:

Labcorp Genetics (formerly Invitae), Labcorp
Classification: Uncertain significance for Epidermolysis bullosa simplex 3, localized or generalized intermediate, with BP230 deficiency; Hereditary sensory and autonomic neuropathy type 6. Last evaluated: 2020-10-13. Review status: criteria provided, single submitter. Criteria: Invitae Variant Classification Sherloc (09022015). Collection method: clinical testing. Allele origin: germline.
Comment: In summary, the available evidence is currently insufficient to determine the role of this variant in disease. Therefore, it has been classified as a Variant of Uncertain Significance. Experimental studies and prediction algorithms are not available or were not evaluated, and the functional significance of this variant is currently unknown. This variant has not been reported in the literature in individuals with DST-related conditions. This variant is not present in population databases (ExAC no frequency). This sequence change replaces methionine with threonine at codon 3912 of the DST protein (p.Met3912Thr). The DST gene has multiple clinically relevant transcripts. This variant occurs in alternate transcript NM_015548.4, and corresponds to NM_001723.5:c.*113861T>C in the primary transcript.